The following is an entry in ClinVar:

NM_053025.4(MYLK):c.230G>T (p.Gly77Val)

Gene: MYLK (myosin light chain kinase; minus strand). Cytogenetic location: 3q21.1.
Variant type: single nucleotide variant.
Coding change: c.230G>T on transcript NM_053025.4 (MANE Select); coding-DNA position 230, G replaced by T.
Protein change: p.Gly77Val; replaces glycine 77 with valine.
Molecular consequence: missense variant. On other transcripts: intron variant (1).
Genome position (GRCh38, 1-based): chr3:123,752,474, C>A on the plus strand (G>T on the coding strand, the complement: MYLK is on the minus strand). VCF-style: chr3-123752474-C-A. GRCh37 (hg19) VCF-style: chr3-123471321-C-A.
Other names: c.230G>T, p.Gly77Val (NM_053026.4, NM_053027.4, NM_053028.4); c.-155-12473G>T (NM_001321309.2); short protein forms G77V.
Identifiers: ClinVar variation 4760566 (VCV004760566.1).

ClinVar aggregate classification (germline): Uncertain significance (1 of 4 stars; one submission).

Conditions:
Aortic aneurysm, familial thoracic 7 (AAT7). Also called: AORTIC DISSECTION, FAMILIAL, WITH OR WITHOUT AORTIC ANEURYSM. Identifiers: MedGen C3151077, MONDO:0013418, OMIM 613780.

gnomAD v4.1: 2 of 1,614,174 alleles (0.00012%); highest among the groups gnomAD compares: South Asian, 0.0011%; no homozygotes.

Submission:

Labcorp Genetics (formerly Invitae), Labcorp
Classification: Uncertain significance for Aortic aneurysm, familial thoracic 7. Last evaluated: 2025-06-05. Review status: criteria provided, single submitter. Criteria: Invitae Variant Classification Sherloc (09022015). Collection method: clinical testing. Allele origin: germline.
Comment: This sequence change replaces glycine, which is neutral and non-polar, with valine, which is neutral and non-polar, at codon 77 of the MYLK protein (p.Gly77Val). This variant is not present in population databases (gnomAD no frequency). This variant has not been reported in the literature in individuals affected with MYLK-related conditions. Invitae Evidence Modeling of protein sequence and biophysical properties (such as structural, functional, and spatial information, amino acid conservation, physicochemical variation, residue mobility, and thermodynamic stability) indicates that this missense variant is not expected to disrupt MYLK protein function with a negative predictive value of 95%. In summary, the available evidence is currently insufficient to determine the role of this variant in disease. Therefore, it has been classified as a Variant of Uncertain Significance.